The following is an entry in ClinVar:

ClinVar aggregate classification (germline): Conflicting classifications of pathogenicity. Review status: criteria provided, conflicting classifications (1 of 4 stars). 6 submissions from 6 submitters: Uncertain significance (1); Benign (1); Likely benign (4). Last evaluated 2025-11-18.

Conditions:
Cardiomyopathy (CMYO). Also called: Cardiomyopathies. Identifiers: Orphanet 167848, MedGen C0878544, MONDO:0004994, HP:0001638. Inheritance: Various modes of inheritance.
Hypertrophic cardiomyopathy. Also called: HYPERTROPHIC MYOCARDIOPATHY. Identifiers: Orphanet 217569, MedGen C0007194, MeSH D002312, MONDO:0005045, HP:0001639.
Cardiovascular phenotype. Identifiers: MedGen CN230736.

Allele frequency attached by ClinVar (database versions not stated): gnomAD 0.00001; gnomAD exomes 0.00001; TOPMed 0.00001.
gnomAD v4.1: 21 of 1,604,686 alleles (0.0013%); highest among the groups gnomAD compares: Admixed American, 0.0017%; no homozygotes.

Submissions (6):

Labcorp Genetics (formerly Invitae), Labcorp
Classification: Likely benign for Hypertrophic cardiomyopathy. Last evaluated: 2025-11-18. Review status: criteria provided, single submitter. Criteria: Invitae Variant Classification Sherloc (09022015). Collection method: clinical testing. Allele origin: germline.

All of Us Research Program, National Institutes of Health
Classification: Likely benign for Cardiomyopathy. Last evaluated: 2024-04-16. Review status: criteria provided, single submitter. Criteria: ACMG Guidelines, 2015. Collection method: clinical testing. Allele origin: germline. Inheritance: Autosomal dominant inheritance. Observed: 3 variant alleles, 3 heterozygotes.
Comment: This study involves interpretation of variants in research participants for the purpose of population health screening. Participant phenotype was not available at the time of variant classification. Additional details can be found in publication PMID: 35346344, PMCID: PMC8962531

Color Diagnostics, LLC DBA Color Health
Classification: Likely benign for Cardiomyopathy. Last evaluated: 2022-11-06. Review status: criteria provided, single submitter. Criteria: ACMG Guidelines, 2015. Collection method: clinical testing. Allele origin: germline.

Ambry Genetics
Classification: Likely benign for Cardiovascular phenotype. Last evaluated: 2022-07-06. Review status: criteria provided, single submitter. Criteria: Ambry Variant Classification Scheme 2023. Collection method: clinical testing. Allele origin: germline.

CHEO Genetics Diagnostic Laboratory, Children's Hospital of Eastern Ontario
Classification: Uncertain significance for Cardiomyopathy. Last evaluated: 2017-12-06. Review status: criteria provided, single submitter. Criteria: ACMG Guidelines, 2015. Collection method: clinical testing. Allele origin: germline.

GeneDx
Classification: Benign. Last evaluated: 2015-03-03. Review status: criteria provided, single submitter. Criteria: GeneDx Variant Classification Process June 2021. Collection method: clinical testing. Allele origin: germline. Affected: yes.

NM_000257.4(MYH7):c.3975G>A (p.Ala1325=)

Gene: MYH7 (myosin heavy chain 7; minus strand). Cytogenetic location: 14q11.2.
Variant type: single nucleotide variant.
Coding change: c.3975G>A on transcript NM_000257.4 (MANE Select); coding-DNA position 3975, G replaced by A.
Protein change: p.Ala1325=; no amino-acid change (alanine 1325 retained).
Molecular consequence: synonymous variant.
Genome position (GRCh38, 1-based): chr14:23,418,404, C>T on the plus strand (G>A on the coding strand, the complement: MYH7 is on the minus strand). VCF-style: chr14-23418404-C-T. GRCh37 (hg19) VCF-style: chr14-23887613-C-T.
Identifiers: ClinVar variation 915795 (VCV000915795.19), dbSNP rs1424491117, ClinGen allele CA485618843.
Genomic context (GRCh38, chr14:23,418,404, plus strand): 5'-CTCCCGCAGCAGGTCGCAGTCATGCCGGGCCGACTGCAGTGCGTGGGCCAGGGCGTTCTT[C>T]GCCTGGGGAGGGGTGGGCACCAGGAGGTGGGTTCAGCTTTCTCCATAAAGCAACCCCACC-3'
Protein context (NP_000248.2, residues 1315-1335): LKRQLEEEVK[Ala1325=]KNALAHALQS